The following is an entry in ClinVar:

NM_000218.3(KCNQ1):c.1179G>C (p.Lys393Asn)

Gene: KCNQ1 (potassium voltage-gated channel subfamily Q member 1; plus strand). Cytogenetic location: 11p15.5.
Variant type: single nucleotide variant.
Coding change: c.1179G>C on transcript NM_000218.3 (MANE Select); coding-DNA position 1179, G replaced by C.
Protein change: p.Lys393Asn; replaces lysine 393 with asparagine.
Molecular consequence: missense variant.
Genome position (GRCh38, 1-based): chr11:2,587,620, G>C. VCF-style: chr11-2587620-G-C. GRCh37 (hg19) VCF-style: chr11-2608850-G-C.
Other names: c.1083G>C, p.Lys361Asn (NM_001406836.1); c.909G>C, p.Lys303Asn (NM_001406837.1); c.639G>C, p.Lys213Asn (NM_001406838.1); c.798G>C, p.Lys266Asn (NM_181798.2); short protein forms K213N, K266N, K303N, K361N, K393N.
Identifiers: ClinVar variation 3075342 (VCV003075342.2), dbSNP rs12720457, ClinGen allele CA379134739.

ClinVar aggregate classification (germline): Conflicting classifications of pathogenicity. Review status: criteria provided, conflicting classifications (1 of 4 stars). 2 submissions from 2 submitters: Uncertain significance (1); Likely benign (1). Last evaluated 2026-08-20.

Conditions:
Long QT syndrome (LQTS). Identifiers: MedGen C0023976, MeSH D008133, MONDO:0002442. Disease mechanism: loss of function. Inheritance: Various modes of inheritance.
Cardiovascular phenotype. Identifiers: MedGen CN230736.

Submissions (2):

Ambry Genetics
Classification: Uncertain significance for Cardiovascular phenotype. Last evaluated: 2026-08-20. Review status: criteria provided, single submitter. Criteria: Ambry Variant Classification Scheme 2023. Collection method: clinical testing. Allele origin: germline.
Comment: The p.K393N variant (also known as c.1179G>C), located in coding exon 9 of the KCNQ1 gene, results from a G to C substitution at nucleotide position 1179. The lysine at codon 393 is replaced by asparagine, an amino acid with similar properties. This variant was reported in an individual with sudden arrhythmic death syndrome and in an individual with syncope (Ghouse J et al. Eur Heart J, 2015 Oct;36:2523-9; Raju H et al. BMC Cardiovasc Disord, 2019 Jul;19:174). One study looking at QTc intervals in a Danish cohort found that QTc intervals in p.K393N (c.1179G>C) carriers did not significantly differ from non-carriers (Ghouse J et al. Eur Heart J, 2015 Oct;36:2523-9). This amino acid position is highly conserved in available vertebrate species. In addition, the in silico prediction for this alteration is inconclusive. Based on the available evidence, the clinical significance of this variant remains unclear.

All of Us Research Program, National Institutes of Health
Classification: Likely benign for Long QT syndrome. Last evaluated: 2024-01-08. Review status: criteria provided, single submitter. Criteria: ACMG Guidelines, 2015. Collection method: clinical testing. Allele origin: germline. Inheritance: Autosomal dominant inheritance. Observed: 1 variant allele, 1 heterozygote.
Comment: This study involves interpretation of variants in research participants for the purpose of population health screening. Participant phenotype was not available at the time of variant classification. Additional details can be found in publication PMID: 35346344, PMCID: PMC8962531

Literature cited by the submitters: PubMed 26159999 (cited by Ambry Genetics); PubMed 31337358 (cited by Ambry Genetics).